The following is an entry in ClinVar:

ClinVar aggregate classification (germline): Uncertain significance (1 of 4 stars; one submission).

Allele frequency attached by ClinVar (database versions not stated): TOPMed 0.00001.

Submission:

Labcorp Genetics (formerly Invitae), Labcorp
Classification: Uncertain significance. Last evaluated: 2020-11-05. Review status: criteria provided, single submitter. Criteria: Invitae Variant Classification Sherloc (09022015). Collection method: clinical testing. Allele origin: germline.
Comment: In summary, the available evidence is currently insufficient to determine the role of this variant in disease. Therefore, it has been classified as a Variant of Uncertain Significance. This sequence change replaces arginine with cysteine at codon 163 of the PQBP1 protein (p.Arg163Cys). The arginine residue is moderately conserved and there is a large physicochemical difference between arginine and cysteine. This variant is not present in population databases (ExAC no frequency). This variant has not been reported in the literature in individuals with PQBP1-related conditions. Algorithms developed to predict the effect of missense changes on protein structure and function are either unavailable or do not agree on the potential impact of this missense change (SIFT: "Deleterious"; PolyPhen-2: "Probably Damaging"; Align-GVGD: "Class C0").

NM_001032382.2(PQBP1):c.487C>T (p.Arg163Cys)

Gene: PQBP1 (polyglutamine binding protein 1; plus strand). Cytogenetic location: Xp11.23.
Variant type: single nucleotide variant.
Coding change: c.487C>T on transcript NM_001032382.2 (MANE Select); coding-DNA position 487, C replaced by T.
Protein change: p.Arg163Cys; replaces arginine 163 with cysteine.
Molecular consequence: missense variant. On other transcripts: intron variant (2).
Genome position (GRCh38, 1-based): chrX:48,902,427, C>T. VCF-style: chrX-48902427-C-T. GRCh37 (hg19) VCF-style: chrX-48759704-C-T.
Other names: c.487C>T, p.Arg163Cys (NM_001032381.2, NM_001032383.2, NM_001032384.1 and 2 more transcripts); c.463C>T, p.Arg155Cys (NM_001167990.2); c.293-305C>T (NM_144495.3); c.202-15C>T (NM_001167992.1); short protein forms R155C, R163C.
Identifiers: ClinVar variation 1060774 (VCV001060774.9), dbSNP rs1291167016, ClinGen allele CA412890409.